The following is an entry in ClinVar:

ClinVar aggregate classification (germline): Uncertain significance. Review status: criteria provided, multiple submitters, no conflicts (2 of 4 stars). 5 submissions from 5 submitters: Uncertain significance (3). 2 of the submissions do not count toward it. Last evaluated 2026-01-17.

Conditions:
LTBP3-related disorder. Also called: LTBP3-related condition.
Brachyolmia-amelogenesis imperfecta syndrome. Also called: PLATYSPONDYLY WITH AMELOGENESIS IMPERFECTA; Tooth agenesis, selective, 6; Dental anomalies and short stature. Identifiers: Orphanet 2899, MedGen C1832594, MONDO:0011018, OMIM 601216. Disease mechanism: loss of function.
Inborn genetic diseases. Identifiers: MedGen C0950123, MeSH D030342.

Allele frequency attached by ClinVar (database versions not stated): TOPMed 0.00003; ESP Exome Variant Server 0.00008; ExAC 0.00005; gnomAD 0.00006; gnomAD exomes 0.00006.
gnomAD v4.1: 82 of 1,549,568 alleles (0.0053%); highest among the groups gnomAD compares: Non-Finnish European, 0.0071%; no homozygotes.

Submissions (5):

Labcorp Genetics (formerly Invitae), Labcorp
Classification: Uncertain significance for Brachyolmia-amelogenesis imperfecta syndrome. Last evaluated: 2026-01-17. Review status: criteria provided, single submitter. Criteria: Invitae Variant Classification Sherloc (09022015). Collection method: clinical testing. Allele origin: germline.
Comment: This sequence change replaces proline, which is neutral and non-polar, with alanine, which is neutral and non-polar, at codon 549 of the LTBP3 protein (p.Pro549Ala). This variant is present in population databases (rs145060640, gnomAD 0.01%). This variant has not been reported in the literature in individuals affected with LTBP3-related conditions. ClinVar contains an entry for this variant (Variation ID: 1206357). An algorithm developed to predict the effect of missense changes on protein structure and function (PolyPhen-2) suggests that this variant is likely to be tolerated. In summary, the available evidence is currently insufficient to determine the role of this variant in disease. Therefore, it has been classified as a Variant of Uncertain Significance.

Ambry Genetics
Classification: Uncertain significance for Inborn genetic diseases. Last evaluated: 2025-02-13. Review status: criteria provided, single submitter. Criteria: Ambry Variant Classification Scheme 2023. Collection method: clinical testing. Allele origin: germline.
Comment: The p.P549A variant (also known as c.1645C>G), located in coding exon 11 of the LTBP3 gene, results from a C to G substitution at nucleotide position 1645. The proline at codon 549 is replaced by alanine, an amino acid with highly similar properties. This amino acid position is conserved. In addition, this alteration is predicted to be tolerated by in silico analysis. Since supporting evidence is limited at this time, the clinical significance of this alteration remains unclear.

PreventionGenetics, part of Exact Sciences
Classification: Uncertain significance for LTBP3-related condition. Last evaluated: 2023-01-25. Review status: criteria provided, single submitter. Criteria: ACMG Guidelines, 2015. Collection method: clinical testing. Allele origin: germline.
Comment: The LTBP3 c.1645C>G variant is predicted to result in the amino acid substitution p.Pro549Ala. To our knowledge, this variant has not been reported in the literature. This variant is reported in 0.014% of alleles in individuals of European (Non-Finnish) descent in gnomAD. At this time, the clinical significance of this variant is uncertain due to the absence of conclusive functional and genetic evidence.

Clinical Genetics DNA and cytogenetics Diagnostics Lab, Erasmus MC, Erasmus Medical Center
Classification: Likely benign. Review status: no assertion criteria provided. Collection method: clinical testing. Allele origin: germline. Affected: yes. Study: VKGL Data-share Consensus. Not counted in ClinVar's aggregate classification.

Laboratory of Diagnostic Genome Analysis, Leiden University Medical Center (LUMC)
Classification: Likely benign. Review status: no assertion criteria provided. Collection method: clinical testing. Allele origin: germline. Affected: yes. Study: VKGL Data-share Consensus. Not counted in ClinVar's aggregate classification.

NM_001130144.3(LTBP3):c.1645C>G (p.Pro549Ala)

Gene: LTBP3 (latent transforming growth factor beta binding protein 3; minus strand). Cytogenetic location: 11q13.1.
Variant type: single nucleotide variant.
Coding change: c.1645C>G on transcript NM_001130144.3 (MANE Select); coding-DNA position 1645, C replaced by G.
Protein change: p.Pro549Ala; replaces proline 549 with alanine.
Molecular consequence: missense variant.
Genome position (GRCh38, 1-based): chr11:65,551,201, G>C on the plus strand (C>G on the coding strand, the complement: LTBP3 is on the minus strand). VCF-style: chr11-65551201-G-C. GRCh37 (hg19) VCF-style: chr11-65318672-G-C.
Other names: c.1294C>G, p.Pro432Ala (NM_001164266.1); c.1645C>G, p.Pro549Ala (NM_021070.4); short protein forms P432A, P549A.
Identifiers: ClinVar variation 1206357 (VCV001206357.14), dbSNP rs145060640, ClinGen allele CA6100899.
Genomic context (GRCh38, chr11:65,551,201, plus strand): 5'-GAGCGATCTCTACGGCGCTGCGGGAAGGAGGCAAGTCCGGCAGGAACCAGCGCATGGTCG[G>C]GGGCGAGGGACGGGAGATCAGCTCTGCGGGCGGCAGTGCACTCTGGTCAGAGACGATATT-3'
Protein context (NP_001123616.1, residues 539-559): YPELISRPSP[Pro549Ala]TMRWFLPDLP